The following is an entry in ClinVar:

NM_000548.5(TSC2):c.3803G>A (p.Arg1268His)

Gene: TSC2 (TSC complex subunit 2; plus strand). Cytogenetic location: 16p13.3.
Variant type: single nucleotide variant.
Coding change: c.3803G>A on transcript NM_000548.5 (MANE Select); coding-DNA position 3803, G replaced by A.
Protein change: p.Arg1268His; replaces arginine 1268 with histidine.
Molecular consequence: missense variant.
Genome position (GRCh38, 1-based): chr16:2,081,787, G>A. VCF-style: chr16-2081787-G-A. GRCh37 (hg19) VCF-style: chr16-2131788-G-A.
Other names: c.3671G>A, p.Arg1224His (NM_001077183.3, NM_001370404.1); c.3803G>A, p.Arg1268His (NM_001114382.3); c.3563G>A, p.Arg1188His (NM_001318827.2); c.3527G>A, p.Arg1176His (NM_001318829.2); c.3071G>A, p.Arg1024His (NM_001318831.2); c.3704G>A, p.Arg1235His (NM_001318832.2); c.3674G>A, p.Arg1225His (NM_001363528.2, NM_001370405.1, NM_021055.3); short protein forms R1268H, R1176H, R1024H, R1188H, R1235H, R1224H, R1225H.
Identifiers: ClinVar variation 65034 (VCV000065034.29), dbSNP rs200577441, ClinGen allele CA019556.

ClinVar aggregate classification (germline): Benign/Likely benign. Review status: criteria provided, multiple submitters, no conflicts (2 of 4 stars). 12 submissions from 12 submitters: Benign (5); Likely benign (6). 1 of the submissions does not count toward it. Last evaluated 2026-02-03.

Conditions:
Hereditary cancer-predisposing syndrome. Also called: Neoplastic Syndromes, Hereditary; Tumor predisposition; Hereditary Cancer Syndrome; Hereditary neoplastic syndrome. Identifiers: Orphanet 140162, MedGen C0027672, MeSH D009386, MONDO:0015356.
Tuberous sclerosis syndrome (TSC). Also called: Tuberous Sclerosis Complex; Tuberous sclerosis. Identifiers: Orphanet 805, MedGen C0041341, MONDO:0001734.
Tuberous sclerosis 2 (TSC2). Identifiers: Orphanet 805, MedGen C1860707, MONDO:0013199, OMIM 613254.

Allele frequency attached by ClinVar (database versions not stated): gnomAD 0.00001 and 0.00005; gnomAD exomes 0.00005 and 0.00018; TOPMed 0.00007; ExAC 0.00023; 1000 Genomes Project 0.00060; 1000 Genomes Project 30x 0.00078.
gnomAD v4.1: 84 of 1,612,362 alleles (0.0052%); highest among the groups gnomAD compares: East Asian, 0.045%; 2 homozygotes.

Submissions (12):

Labcorp Genetics (formerly Invitae), Labcorp
Classification: Benign for Tuberous sclerosis 2. Last evaluated: 2026-02-03. Review status: criteria provided, single submitter. Criteria: Invitae Variant Classification Sherloc (09022015). Collection method: clinical testing. Allele origin: germline.

Women's Health and Genetics/Laboratory Corporation of America, LabCorp
Classification: Likely benign. Last evaluated: 2025-05-29. Review status: criteria provided, single submitter. Criteria: LabCorp Variant Classification Summary - May 2015. Collection method: clinical testing. Allele origin: germline.

Blueprint Genetics
Classification: Likely benign. Last evaluated: 2024-09-04. Review status: criteria provided, single submitter. Criteria: ACMG Guidelines, 2015. Collection method: clinical testing. Allele origin: germline.

Myriad Genetics, Inc.
Classification: Likely benign for Tuberous sclerosis 2. Last evaluated: 2024-08-16. Review status: criteria provided, single submitter. Criteria: Myriad Autosomal Dominant, Autosomal Recessive and X-Linked Classification Criteria (2023). Collection method: clinical testing. Allele origin: unknown.
Comment: This variant is considered likely benign. This variant has been observed at a population frequency that is significantly greater than expected given the associated disease prevalence and penetrance.

Quest Diagnostics Nichols Institute San Juan Capistrano
Classification: Benign. Last evaluated: 2022-10-28. Review status: criteria provided, single submitter. Criteria: Quest Diagnostics criteria. Collection method: clinical testing. Allele origin: unknown.
Comment: The frequency of this variant in the general population is higher than would generally be expected for pathogenic variants in this gene. This variant has been seen where an alternate explanation for disease was also identified.

Color Diagnostics, LLC DBA Color Health
Classification: Benign for Tuberous sclerosis syndrome. Last evaluated: 2022-10-03. Review status: criteria provided, single submitter. Criteria: ACMG Guidelines, 2015. Collection method: clinical testing. Allele origin: germline.

Ambry Genetics
Classification: Likely benign for Hereditary cancer-predisposing syndrome. Last evaluated: 2022-02-03. Review status: criteria provided, single submitter. Criteria: Ambry Variant Classification Scheme 2023. Collection method: clinical testing. Allele origin: germline.

Genome-Nilou Lab
Classification: Benign for Tuberous sclerosis 2. Last evaluated: 2021-11-07. Review status: criteria provided, single submitter. Criteria: ACMG Guidelines, 2015. Collection method: clinical testing. Allele origin: germline. Affected: no.

St. Jude Molecular Pathology, St. Jude Children's Research Hospital
Classification: Likely benign for Tuberous sclerosis syndrome. Last evaluated: 2021-05-20. Review status: criteria provided, single submitter. Criteria: St. Jude Assertion Criteria 2020. Collection method: clinical testing. Allele origin: germline.
Comment: The TSC2 c.3803G>A (p.Arg1268His) change has a maximum subpopulation frequency of 0.14% in gnomAD v2.1.1. This population frequency exceeds the expected prevalence of a pathogenic variant causing tuberous sclerosis complex (BS1). Five of seven in silico tools predict a deleterious effect of this variant on protein function, however functional studies indicate that this variant does not behave significantly different than the wild-type. Data in the LOVD database indicates that this variant has been identified in an individual with TSC whom also carries a definite TSC-causing variant (BP2). In summary, this variant meets criteria to be classified as likely benign based on the ACMG/AMP criteria: BS1, BP2.

GeneDx
Classification: Benign. Last evaluated: 2020-05-07. Review status: criteria provided, single submitter. Criteria: GeneDx Variant Classification Process June 2021. Collection method: clinical testing. Allele origin: germline. Affected: yes.
Comment: This variant is associated with the following publications: (PMID: 31927531)

Illumina Laboratory Services, Illumina
Classification: Likely benign for Tuberous sclerosis syndrome. Last evaluated: 2018-01-13. Review status: criteria provided, single submitter. Criteria: ICSL Variant Classification Criteria 13 December 2019. Collection method: clinical testing. Allele origin: germline.
Comment: This variant was observed in the ICSL laboratory as part of a predisposition screen in an ostensibly healthy population. It had not been previously curated by ICSL or reported in the Human Gene Mutation Database (HGMD: prior to June 1st, 2018), and was therefore a candidate for classification through an automated scoring system. Utilizing variant allele frequency, disease prevalence and penetrance estimates, and inheritance mode, an automated score was calculated to assess if this variant is too frequent to cause the disease. Based on the score and internal cut-off values, a variant classified as likely benign is not then subjected to further curation. The score for this variant resulted in a classification of likely benign for this disease.

Tuberous sclerosis database (TSC2)
No classification provided. Condition: TSC. Review status: no classification provided. Criteria: Tuberous Sclerosis Database Assertion Criteria 2015. Collection method: curation. Allele origin: germline. Affected: yes. Not counted in ClinVar's aggregate classification.